The following is an entry in ClinVar:

ClinVar aggregate classification (germline): Uncertain significance (1 of 4 stars; one submission).

gnomAD v4.1: 9 of 1,611,244 alleles (0.00056%); highest among the groups gnomAD compares: Non-Finnish European, 0.00076%; no homozygotes.

Submission:

Labcorp Genetics (formerly Invitae), Labcorp
Classification: Uncertain significance. Last evaluated: 2026-01-07. Review status: criteria provided, single submitter. Criteria: Invitae Variant Classification Sherloc (09022015). Collection method: clinical testing. Allele origin: germline.
Comment: This sequence change replaces lysine, which is basic and polar, with glutamic acid, which is acidic and polar, at codon 147 of the LBR protein (p.Lys147Glu). This variant is present in population databases (no rsID available, gnomAD 0.0009%). This variant has not been reported in the literature in individuals affected with LBR-related conditions. Invitae Evidence Modeling of protein sequence and biophysical properties (such as structural, functional, and spatial information, amino acid conservation, physicochemical variation, residue mobility, and thermodynamic stability) indicates that this missense variant is not expected to disrupt LBR protein function with a negative predictive value of 95%. In summary, the available evidence is currently insufficient to determine the role of this variant in disease. Therefore, it has been classified as a Variant of Uncertain Significance.

NM_002296.4(LBR):c.439A>G (p.Lys147Glu)

Gene: LBR (lamin B receptor; minus strand). Cytogenetic location: 1q42.12.
Variant type: single nucleotide variant.
Coding change: c.439A>G on transcript NM_002296.4 (MANE Select); coding-DNA position 439, A replaced by G.
Protein change: p.Lys147Glu; replaces lysine 147 with glutamic acid.
Molecular consequence: missense variant.
Genome position (GRCh38, 1-based): chr1:225,419,726, T>C on the plus strand (A>G on the coding strand, the complement: LBR is on the minus strand). VCF-style: chr1-225419726-T-C. GRCh37 (hg19) VCF-style: chr1-225607428-T-C.
Other names: c.439A>G, p.Lys147Glu (NM_194442.3); short protein forms K147E.
Identifiers: ClinVar variation 4707204 (VCV004707204.1).